The following is an entry in ClinVar:

NM_000318.3(PEX2):c.892G>A (p.Glu298Lys)

Gene: PEX2 (peroxisomal biogenesis factor 2; minus strand). Cytogenetic location: 8q21.13.
Variant type: single nucleotide variant.
Coding change: c.892G>A on transcript NM_000318.3 (MANE Select); coding-DNA position 892, G replaced by A.
Protein change: p.Glu298Lys; replaces glutamic acid 298 with lysine.
Molecular consequence: missense variant.
Genome position (GRCh38, 1-based): chr8:76,983,287, C>T on the plus strand (G>A on the coding strand, the complement: PEX2 is on the minus strand). VCF-style: chr8-76983287-C-T. GRCh37 (hg19) VCF-style: chr8-77895523-C-T.
Other names: c.892G>A, p.Glu298Lys (NM_001079867.2, NM_001172086.2, NM_001172087.2); short protein forms E298K.
Identifiers: ClinVar variation 788245 (VCV000788245.20), dbSNP rs544763390, ClinGen allele CA4788637.

ClinVar aggregate classification (germline): Conflicting classifications of pathogenicity. Review status: criteria provided, conflicting classifications (1 of 4 stars). 7 submissions from 6 submitters: Uncertain significance (3); Likely benign (2). 2 of the submissions do not count toward it. Last evaluated 2026-01-09.

Conditions:
Zellweger spectrum disorders (ZS). Also called: Zellweger Spectrum Disorder; Zellweger Spectrum; Zellweger syndrome; Zellweger Spectrum Disorder (ZSD). Identifiers: Orphanet 912, MedGen C0043459, MONDO:0019609.
Peroxisome biogenesis disorder 5B (PBD5B). Identifiers: Orphanet 44, MedGen C3542026, MONDO:0013933, OMIM 614867.
PEX2-related disorder. Also called: PEX2-related condition.
Peroxisome biogenesis disorder 5A (Zellweger) (PBD5A). Identifiers: Orphanet 912, MedGen C3553940, MONDO:0013932, OMIM 614866.

Allele frequency attached by ClinVar (database versions not stated): gnomAD exomes 0.00023 and 0.00013; ExAC 0.00027; 1000 Genomes Project 30x 0.00031; 1000 Genomes Project 0.00040; gnomAD 0.00002 and 0.00006; TOPMed 0.00003.

Submissions (7):

Labcorp Genetics (formerly Invitae), Labcorp
Classification: Likely benign for Peroxisome biogenesis disorder 5A (Zellweger). Last evaluated: 2026-01-09. Review status: criteria provided, single submitter. Criteria: Invitae Variant Classification Sherloc (09022015). Collection method: clinical testing. Allele origin: germline.

Revvity Omics, Revvity
Classification: Uncertain significance. Last evaluated: 2024-03-11. Review status: criteria provided, single submitter. Criteria: ACMG Guidelines, 2015. Collection method: clinical testing. Allele origin: germline.

Blueprint Genetics
Classification: Likely benign. Last evaluated: 2023-04-26. Review status: criteria provided, single submitter. Criteria: ACMG Guidelines, 2015. Collection method: clinical testing. Allele origin: germline.

Genome-Nilou Lab
Classification: Uncertain significance for Peroxisome biogenesis disorder 5A (Zellweger). Last evaluated: 2021-07-14. Review status: criteria provided, single submitter. Criteria: ACMG Guidelines, 2015. Collection method: clinical testing. Allele origin: germline. Affected: no.

Genome-Nilou Lab
Classification: Uncertain significance for Peroxisome biogenesis disorder 5B. Last evaluated: 2021-07-14. Review status: criteria provided, single submitter. Criteria: ACMG Guidelines, 2015. Collection method: clinical testing. Allele origin: germline. Affected: no.

PreventionGenetics, part of Exact Sciences
Classification: Likely benign for PEX2-related condition. Last evaluated: 2023-05-11. Review status: no assertion criteria provided. Collection method: clinical testing. Allele origin: germline. Not counted in ClinVar's aggregate classification.
Comment: This variant is classified as likely benign based on ACMG/AMP sequence variant interpretation guidelines (Richards et al. 2015 PMID: 25741868, with internal and published modifications).

Natera, Inc.
Classification: Uncertain significance for Zellweger syndrome. Last evaluated: 2020-04-14. Review status: no assertion criteria provided. Collection method: clinical testing. Allele origin: germline. Not counted in ClinVar's aggregate classification.